The following is an entry in ClinVar:

ClinVar aggregate classification (germline): Uncertain significance (1 of 4 stars; one submission).

Conditions:
GLE1-related disorder. Also called: GLE1-related disorders; GLE1-related condition.

gnomAD v4.1: 5 of 1,614,150 alleles (0.00031%); highest among the groups gnomAD compares: Non-Finnish European, 0.00034%; no homozygotes.

Submission:

PreventionGenetics, part of Exact Sciences
Classification: Uncertain significance for GLE1-related condition. Last evaluated: 2025-07-21. Review status: criteria provided, single submitter. Criteria: ACMG Guidelines, 2015. Collection method: clinical testing. Allele origin: germline.
Comment: The GLE1 c.1486C>T variant is predicted to result in the amino acid substitution p.His496Tyr. To our knowledge, this variant has not been reported in the literature or in a large population database (gnomAD), indicating this variant is rare. At this time, the clinical significance of this variant is uncertain due to the absence of conclusive functional and genetic evidence.

NM_001003722.2(GLE1):c.1486C>T (p.His496Tyr)

Genes: GLE1 (GLE1 RNA export mediator; plus strand), LOC101929270 (uncharacterized LOC101929270; minus strand). Cytogenetic location: 9q34.11.
Variant type: single nucleotide variant.
Coding change: c.1486C>T on transcript NM_001003722.2 (MANE Select); coding-DNA position 1486, C replaced by T.
Protein change: p.His496Tyr; replaces histidine 496 with tyrosine.
Molecular consequence: missense variant.
Genome position (GRCh38, 1-based): chr9:128,533,791, C>T. VCF-style: chr9-128533791-C-T. GRCh37 (hg19) VCF-style: chr9-131296070-C-T.
Other names: c.1513C>T, p.His505Tyr (NM_001411013.1); c.1486C>T, p.His496Tyr (NM_001499.2); short protein forms H505Y, H496Y.
Identifiers: ClinVar variation 4990167 (VCV004990167.1).